The following is an entry in ClinVar:

NM_006371.5(CRTAP):c.213G>A (p.Leu71=)

Gene: CRTAP (cartilage associated protein; plus strand). Cytogenetic location: 3p22.3.
Variant type: single nucleotide variant.
Coding change: c.213G>A on transcript NM_006371.5 (MANE Select); coding-DNA position 213, G replaced by A.
Protein change: p.Leu71=; no amino-acid change (leucine 71 retained).
Molecular consequence: synonymous variant.
Genome position (GRCh38, 1-based): chr3:33,114,290, G>A. VCF-style: chr3-33114290-G-A. GRCh37 (hg19) VCF-style: chr3-33155782-G-A.
Other names: p.Leu71=; c.213G>A, p.Leu71= (NM_001393363.1, NM_001393364.1, NM_001393365.1).
Identifiers: ClinVar variation 193339 (VCV000193339.19), dbSNP rs11558338, ClinGen allele CA200504.
Genomic context (GRCh38, chr3:33,114,290, plus strand): 5'-GCTGGACAAGTACAGCGGCGAGCACTGGGCCGAGAGCGTGGGCTACCTGGAGATCAGCCT[G>A]CGGCTGCACCGCTTGCTGCGCGACAGCGAGGCCTTCTGCCACCGCAACTGCAGCGCCGCG-3'
Protein context (NP_006362.1, residues 61-81): AESVGYLEIS[Leu71=]RLHRLLRDSE

ClinVar aggregate classification (germline): Benign. Review status: criteria provided, multiple submitters, no conflicts (2 of 4 stars). 8 submissions from 8 submitters: Benign (6). 2 of the submissions do not count toward it. Last evaluated 2026-02-04.

Conditions:
Osteogenesis imperfecta type 7 (OI7). Also called: Osteogenesis imperfecta type 2B; OI type 2B; Osteogenesis imperfecta, perinatal lethal autosomal recessive; OI type IIB; OI type 7; OI type VII. Identifiers: MedGen C1853162, MONDO:0012536, OMIM 610682.

Allele frequency attached by ClinVar (database versions not stated): gnomAD exomes 0.10746 and 0.15005; ESP Exome Variant Server 0.12500; gnomAD 0.15448 and 0.15867; TOPMed 0.16154; ExAC 0.21874; 1000 Genomes Project 30x 0.24219; 1000 Genomes Project 0.24900.
gnomAD v4.1: 177,223 of 1,571,126 alleles (11%); highest among the groups gnomAD compares: East Asian, 51%; 15,116 homozygotes.

Submissions (8):

Labcorp Genetics (formerly Invitae), Labcorp
Classification: Benign for Osteogenesis imperfecta type 7. Last evaluated: 2026-02-04. Review status: criteria provided, single submitter. Criteria: Invitae Variant Classification Sherloc (09022015). Collection method: clinical testing. Allele origin: germline.

Mayo Clinic Laboratories, Mayo Clinic
Classification: Benign. Last evaluated: 2022-04-26. Review status: criteria provided, single submitter. Criteria: ACMG Guidelines, 2015. Collection method: clinical testing. Allele origin: germline. Observed: 30 variant alleles.

Illumina Laboratory Services, Illumina
Classification: Benign for Osteogenesis imperfecta type 7. Last evaluated: 2018-01-13. Review status: criteria provided, single submitter. Criteria: ICSL Variant Classification Criteria 13 December 2019. Collection method: clinical testing. Allele origin: germline.
Comment: This variant was observed in the ICSL laboratory as part of a predisposition screen in an ostensibly healthy population. It had not been previously curated by ICSL or reported in the Human Gene Mutation Database (HGMD: prior to June 1st, 2018), and was therefore a candidate for classification through an automated scoring system. Utilizing variant allele frequency, disease prevalence and penetrance estimates, and inheritance mode, an automated score was calculated to assess if this variant is too frequent to cause the disease. Based on the score and internal cut-off values, a variant classified as benign is not then subjected to further curation. The score for this variant resulted in a classification of benign for this disease.

GeneDx
Classification: Benign. Last evaluated: 2016-05-02. Review status: criteria provided, single submitter. Criteria: GeneDx Variant Classification (06012015). Collection method: clinical testing. Allele origin: germline. Affected: yes.
Comment: This variant is considered likely benign or benign based on one or more of the following criteria: it is a conservative change, it occurs at a poorly conserved position in the protein, it is predicted to be benign by multiple in silico algorithms, and/or has population frequency not consistent with disease.

Eurofins Ntd Llc (ga)
Classification: Benign. Last evaluated: 2014-12-09. Review status: criteria provided, single submitter. Criteria: EGL Classification Definitions 2015. Collection method: clinical testing. Allele origin: germline. Observed: 2 variant alleles, 2 heterozygotes.

Breakthrough Genomics
Classification: Benign. Review status: criteria provided, single submitter. Criteria: ACMG Guidelines, 2015. Collection method: not provided. Allele origin: germline. Inheritance: Autosomal recessive inheritance. Affected: yes.

Diagnostic Laboratory, Department of Genetics, University Medical Center Groningen
Classification: Benign for Osteogenesis imperfecta type 7. Review status: no assertion criteria provided. Collection method: clinical testing. Allele origin: germline. Affected: yes. Study: VKGL Data-share Consensus. Not counted in ClinVar's aggregate classification.

Genome Diagnostics Laboratory, Amsterdam University Medical Center
Classification: Benign. Review status: no assertion criteria provided. Collection method: clinical testing. Allele origin: germline. Affected: yes. Study: VKGL Data-share Consensus. Not counted in ClinVar's aggregate classification.